The following is an entry in ClinVar:

NM_003239.5(TGFB3):c.164G>C (p.Ser55Thr)

Gene: TGFB3 (transforming growth factor beta 3; minus strand). Cytogenetic location: 14q24.3.
Variant type: single nucleotide variant.
Coding change: c.164G>C on transcript NM_003239.5 (MANE Select); coding-DNA position 164, G replaced by C.
Protein change: p.Ser55Thr; replaces serine 55 with threonine.
Molecular consequence: missense variant.
Genome position (GRCh38, 1-based): chr14:75,980,730, C>G on the plus strand (G>C on the coding strand, the complement: TGFB3 is on the minus strand). VCF-style: chr14-75980730-C-G. GRCh37 (hg19) VCF-style: chr14-76447073-C-G.
Other names: c.164G>C, p.Ser55Thr (NM_001329938.2, NM_001329939.2); short protein forms S55T.
Identifiers: ClinVar variation 2071508 (VCV002071508.5), dbSNP rs143229915, ClinGen allele CA7280506.

ClinVar aggregate classification (germline): Uncertain significance. Review status: criteria provided, multiple submitters, no conflicts (2 of 4 stars). 2 submissions from 2 submitters: Uncertain significance (2). Last evaluated 2023-06-28.

Conditions:
Rienhoff syndrome. Also called: LOEYS-DIETZ SYNDROME 5. Identifiers: MedGen C3810012, MONDO:0014262, OMIM 615582.

Allele frequency attached by ClinVar (database versions not stated): 1000 Genomes Project 30x 0.00031.
gnomAD v4.1: 4 of 1,614,200 alleles (0.00025%); highest among the groups gnomAD compares: Admixed American, 0.005%; no homozygotes.

Submissions (2):

GeneDx
Classification: Uncertain significance. Last evaluated: 2023-06-28. Review status: criteria provided, single submitter. Criteria: GeneDx Variant Classification Process June 2021. Collection method: clinical testing. Allele origin: germline. Affected: yes.
Comment: Not observed at significant frequency in large population cohorts (gnomAD); In silico analysis supports that this missense variant does not alter protein structure/function; Has not been previously published as pathogenic or benign to our knowledge

Labcorp Genetics (formerly Invitae), Labcorp
Classification: Uncertain significance for Rienhoff syndrome. Last evaluated: 2022-01-26. Review status: criteria provided, single submitter. Criteria: Invitae Variant Classification Sherloc (09022015). Collection method: clinical testing. Allele origin: germline.
Comment: In summary, the available evidence is currently insufficient to determine the role of this variant in disease. Therefore, it has been classified as a Variant of Uncertain Significance. Algorithms developed to predict the effect of missense changes on protein structure and function are either unavailable or do not agree on the potential impact of this missense change (SIFT: "Tolerated"; PolyPhen-2: "Probably Damaging"; Align-GVGD: "Class C0"). This variant has not been reported in the literature in individuals affected with TGFB3-related conditions. This variant is present in population databases (rs143229915, gnomAD 0.003%). This sequence change replaces serine, which is neutral and polar, with threonine, which is neutral and polar, at codon 55 of the TGFB3 protein (p.Ser55Thr).